The following is an entry in ClinVar:

NM_001134407.3(GRIN2A):c.*5512T>C

Gene: GRIN2A (glutamate ionotropic receptor NMDA type subunit 2A; minus strand). Cytogenetic location: 16p13.2.
Variant type: single nucleotide variant.
Coding change: c.*5512T>C on transcript NM_001134407.3 (MANE Select); 5512 bases downstream of the stop codon, T replaced by C.
Molecular consequence: 3 prime UTR variant.
Genome position (GRCh38, 1-based): chr16:9,757,637, A>G on the plus strand (T>C on the coding strand, the complement: GRIN2A is on the minus strand). VCF-style: chr16-9757637-A-G. GRCh37 (hg19) VCF-style: chr16-9851494-A-G.
Other names: c.*5512T>C (NM_000833.5); c.*5718T>C (NM_001134408.2).
Identifiers: ClinVar variation 321527 (VCV000321527.5), dbSNP rs149933070, ClinGen allele CA10638741.
Genomic context (GRCh38, chr16:9,757,637, plus strand): 5'-CAATCCCAAACTGGCTTTCAAAATAAAGTGGACATTCAGTGAAGTCCTATTAGCTGGTCA[A>G]TGTGCTTGGTTCTTCCTCAATGCATGATACATAGACCTCAATTATTTCAATGGTCACTGC-3'

ClinVar aggregate classification (germline): Benign (1 of 4 stars; one submission).

Conditions:
Landau-Kleffner syndrome (FESD). Also called: EPILEPSY, FOCAL, WITH SPEECH DISORDER AND WITH OR WITHOUT MENTAL RETARDATION; APHASIA, ACQUIRED, WITH EPILEPSY. Identifiers: Orphanet 1945, Orphanet 725, Orphanet 98818, MedGen C0282512, MONDO:0009509, OMIM 245570.

Allele frequency attached by ClinVar (database versions not stated): gnomAD 0.00410 and 0.00434; 1000 Genomes Project 0.00359; 1000 Genomes Project 30x 0.00406; TOPMed 0.00463.
gnomAD v4.1: 739 of 222,028 alleles (0.33%); highest among the groups gnomAD compares: African/African-American, 1.4%; 3 homozygotes.

Submission:

Illumina Laboratory Services, Illumina
Classification: Benign for Landau-Kleffner syndrome. Last evaluated: 2018-01-13. Review status: criteria provided, single submitter. Criteria: ICSL Variant Classification Criteria 13 December 2019. Collection method: clinical testing. Allele origin: germline.
Comment: This variant was observed in the ICSL laboratory as part of a predisposition screen in an ostensibly healthy population. It had not been previously curated by ICSL or reported in the Human Gene Mutation Database (HGMD: prior to June 1st, 2018), and was therefore a candidate for classification through an automated scoring system. Utilizing variant allele frequency, disease prevalence and penetrance estimates, and inheritance mode, an automated score was calculated to assess if this variant is too frequent to cause the disease. Based on the score and internal cut-off values, a variant classified as benign is not then subjected to further curation. The score for this variant resulted in a classification of benign for this disease.